The following is an entry in ClinVar:

ClinVar aggregate classification (germline): Uncertain significance (1 of 4 stars; one submission).

Conditions:
Cardiovascular phenotype. Identifiers: MedGen CN230736.

Submission:

Ambry Genetics
Classification: Uncertain significance for Cardiovascular phenotype. Last evaluated: 2025-04-20. Review status: criteria provided, single submitter. Criteria: Ambry Variant Classification Scheme 2023. Collection method: clinical testing. Allele origin: germline.
Comment: The p.T625A variant (also known as c.1873A>G), located in coding exon 5 of the ALPK3 gene, results from an A to G substitution at nucleotide position 1873. The threonine at codon 625 is replaced by alanine, an amino acid with similar properties. This amino acid position is conserved. In addition, this alteration is predicted to be tolerated by in silico analysis. Based on the available evidence, the clinical significance of this variant remains unclear.

NM_020778.5(ALPK3):c.1267A>G (p.Thr423Ala)

Gene: ALPK3 (alpha kinase 3; plus strand). Cytogenetic location: 15q25.3.
Variant type: single nucleotide variant.
Coding change: c.1267A>G on transcript NM_020778.5 (MANE Select); coding-DNA position 1267, A replaced by G.
Protein change: p.Thr423Ala; replaces threonine 423 with alanine.
Molecular consequence: missense variant.
Genome position (GRCh38, 1-based): chr15:84,840,546, A>G. VCF-style: chr15-84840546-A-G. GRCh37 (hg19) VCF-style: chr15-85383777-A-G.
Other names: short protein forms T423A.
Identifiers: ClinVar variation 4044635 (VCV004044635.1).